The following is an entry in ClinVar:

ClinVar aggregate classification (germline): Uncertain significance. Review status: criteria provided, multiple submitters, no conflicts (2 of 4 stars). 3 submissions from 3 submitters: Uncertain significance (3). Last evaluated 2025-07-23.

Conditions:
Hereditary cancer-predisposing syndrome. Also called: Hereditary neoplastic syndrome; Tumor predisposition; Hereditary Cancer Syndrome; Neoplastic Syndromes, Hereditary. Identifiers: Orphanet 140162, MedGen C0027672, MeSH D009386, MONDO:0015356.
Neuroblastoma, susceptibility to, 3. Also called: ALK-Related Neuroblastic Tumor Susceptibility. Identifiers: Orphanet 635, MedGen C2751681, MONDO:0013083, OMIM 613014.

gnomAD v4.1: 4 of 1,613,536 alleles (0.00025%); highest among the groups gnomAD compares: African/African-American, 0.0013%; no homozygotes.

Submissions (3):

Labcorp Genetics (formerly Invitae), Labcorp
Classification: Uncertain significance for Neuroblastoma, susceptibility to, 3. Last evaluated: 2025-07-23. Review status: criteria provided, single submitter. Criteria: Invitae Variant Classification Sherloc (09022015). Collection method: clinical testing. Allele origin: germline.
Comment: This sequence change replaces valine, which is neutral and non-polar, with leucine, which is neutral and non-polar, at codon 1039 of the ALK protein (p.Val1039Leu). This variant is not present in population databases (gnomAD no frequency). This variant has not been reported in the literature in individuals affected with ALK-related conditions. ClinVar contains an entry for this variant (Variation ID: 404324). An algorithm developed to predict the effect of missense changes on protein structure and function (PolyPhen-2) suggests that this variant is likely to be disruptive. In summary, the available evidence is currently insufficient to determine the role of this variant in disease. Therefore, it has been classified as a Variant of Uncertain Significance.

Ambry Genetics
Classification: Uncertain significance for Hereditary cancer-predisposing syndrome. Last evaluated: 2025-01-25. Review status: criteria provided, single submitter. Criteria: Ambry Variant Classification Scheme 2023. Collection method: clinical testing. Allele origin: germline.
Comment: The p.V1039L variant (also known as c.3115G>C), located in coding exon 19 of the ALK gene, results from a G to C substitution at nucleotide position 3115. The valine at codon 1039 is replaced by leucine, an amino acid with highly similar properties. This amino acid position is highly conserved in available vertebrate species. In addition, the in silico prediction for this alteration is inconclusive. Based on the available evidence, the clinical significance of this variant remains unclear.

GeneDx
Classification: Uncertain significance. Last evaluated: 2023-12-19. Review status: criteria provided, single submitter. Criteria: GeneDx Variant Classification Process June 2021. Collection method: clinical testing. Allele origin: germline.
Comment: Not observed at significant frequency in large population cohorts (gnomAD); In silico analysis supports that this missense variant does not alter protein structure/function; Has not been previously published as pathogenic or benign to our knowledge; This variant is associated with the following publications: (PMID: 29641532)

NM_004304.5(ALK):c.3115G>C (p.Val1039Leu)

Gene: ALK (ALK receptor tyrosine kinase; minus strand). Cytogenetic location: 2p23.2.
Variant type: single nucleotide variant.
Coding change: c.3115G>C on transcript NM_004304.5 (MANE Select); coding-DNA position 3115, G replaced by C.
Protein change: p.Val1039Leu; replaces valine 1039 with leucine.
Molecular consequence: missense variant.
Genome position (GRCh38, 1-based): chr2:29,225,518, C>G on the plus strand (G>C on the coding strand, the complement: ALK is on the minus strand). VCF-style: chr2-29225518-C-G. GRCh37 (hg19) VCF-style: chr2-29448384-C-G.
Other names: short protein forms V1039L.
Identifiers: ClinVar variation 404324 (VCV000404324.12), dbSNP rs200080181, ClinGen allele CA16610731.